The following is an entry in ClinVar:

NM_004371.4(COPA):c.3148-3C>T

Gene: COPA (coat protein complex I subunit alpha; minus strand). Cytogenetic location: 1q23.2.
Variant type: single nucleotide variant.
Coding change: c.3148-3C>T on transcript NM_004371.4 (MANE Select); 3 bases into the intron before coding-DNA position 3148, C replaced by T.
Molecular consequence: intron variant.
Genome position (GRCh38, 1-based): chr1:160,291,932, G>A on the plus strand (C>T on the coding strand, the complement: COPA is on the minus strand). VCF-style: chr1-160291932-G-A. GRCh37 (hg19) VCF-style: chr1-160261722-G-A.
Other names: c.3175-3C>T (NM_001098398.2).
Identifiers: ClinVar variation 2131111 (VCV002131111.4), dbSNP rs2525348652, ClinGen allele CA2580061289.

ClinVar aggregate classification (germline): Uncertain significance (1 of 4 stars; one submission).

Conditions:
Autoimmune interstitial lung disease-arthritis syndrome. Also called: Autoinflammation and autoimmunity, systemic, with immune dysregulation. Identifiers: Orphanet 444092, MedGen C5975714, MONDO:0014629.

Submission:

Labcorp Genetics (formerly Invitae), Labcorp
Classification: Uncertain significance for Autoimmune interstitial lung disease-arthritis syndrome. Last evaluated: 2022-04-28. Review status: criteria provided, single submitter. Criteria: Invitae Variant Classification Sherloc (09022015). Collection method: clinical testing. Allele origin: germline.
Comment: This sequence change falls in intron 29 of the COPA gene. It does not directly change the encoded amino acid sequence of the COPA protein. It affects a nucleotide within the consensus splice site. This variant is not present in population databases (gnomAD no frequency). This variant has not been reported in the literature in individuals affected with COPA-related conditions. Variants that disrupt the consensus splice site are a relatively common cause of aberrant splicing (PMID: 17576681, 9536098). Algorithms developed to predict the effect of sequence changes on RNA splicing suggest that this variant is not likely to affect RNA splicing. In summary, the available evidence is currently insufficient to determine the role of this variant in disease. Therefore, it has been classified as a Variant of Uncertain Significance.

Literature cited by the submitters: PubMed 17576681; PubMed 9536098.